The following is an entry in ClinVar:

ClinVar aggregate classification (germline): Likely benign (1 of 4 stars; one submission).

Allele frequency attached by ClinVar (database versions not stated): gnomAD exomes below 0.00001 and 0.00001.
gnomAD v4.1: 2 of 1,613,264 alleles (0.00012%); highest among the groups gnomAD compares: Admixed American, 0.0033%; no homozygotes.

Submission:

GeneDx
Classification: Likely benign. Last evaluated: 2016-04-01. Review status: criteria provided, single submitter. Criteria: GeneDx Variant Classification (06012015). Collection method: clinical testing. Allele origin: germline. Affected: yes.
Comment: This variant is considered likely benign or benign based on one or more of the following criteria: it is a conservative change, it occurs at a poorly conserved position in the protein, it is predicted to be benign by multiple in silico algorithms, and/or has population frequency not consistent with disease.

NM_058216.3(RAD51C):c.-28T>G

Gene: RAD51C (RAD51 paralog C; plus strand). Cytogenetic location: 17q22.
Variant type: single nucleotide variant.
Coding change: c.-28T>G on transcript NM_058216.3 (MANE Select); 28 bases upstream of the start codon, T replaced by G.
Molecular consequence: 5 prime UTR variant. On other transcripts: non-coding transcript variant (2).
Genome position (GRCh38, 1-based): chr17:58,692,616, T>G. VCF-style: chr17-58692616-T-G. GRCh37 (hg19) VCF-style: chr17-56769977-T-G.
Other names: c.-28T>G (NM_002876.4).
Identifiers: ClinVar variation 385254 (VCV000385254.1), dbSNP rs1057522163, ClinGen allele CA16607767.